The following is an entry in ClinVar:

ClinVar aggregate classification (germline): Conflicting classifications of pathogenicity. Review status: criteria provided, conflicting classifications (1 of 4 stars). 7 submissions from 7 submitters: Uncertain significance (5); Benign (2). Last evaluated 2025-10-23.

Conditions:
Hereditary nonpolyposis colorectal neoplasms. Identifiers: MedGen C0009405, MeSH D003123.
Hereditary cancer-predisposing syndrome. Also called: Hereditary Cancer Syndrome; Hereditary neoplastic syndrome; Neoplastic Syndromes, Hereditary; Tumor predisposition. Identifiers: Orphanet 140162, MedGen C0027672, MeSH D009386, MONDO:0015356.
Ovarian cancer. Also called: OVARIAN CANCER, SOMATIC. Identifiers: Orphanet 213500, MedGen C1140680, MONDO:0008170, OMIM 167000.
Lynch syndrome. Identifiers: Orphanet 144, MedGen C4552100, MONDO:0005835. Disease mechanism: loss of function.
Endometrial carcinoma. Also called: Endometrial carcinoma, somatic. Identifiers: MedGen C0476089, MONDO:0002447, OMIM 608089, HP:0012114.

Allele frequency attached by ClinVar (database versions not stated): ExAC below 0.00001; gnomAD exomes 0.00001 and 0.00003; TOPMed 0.00001.
gnomAD v4.1: 5 of 1,459,950 alleles (0.00034%); highest among the groups gnomAD compares: Non-Finnish European, 0.00018%; no homozygotes.

Submissions (7):

Labcorp Genetics (formerly Invitae), Labcorp
Classification: Benign for Hereditary nonpolyposis colorectal neoplasms. Last evaluated: 2025-10-23. Review status: criteria provided, single submitter. Criteria: Invitae Variant Classification Sherloc (09022015). Collection method: clinical testing. Allele origin: germline.

Color Diagnostics, LLC DBA Color Health
Classification: Uncertain significance for Hereditary cancer-predisposing syndrome. Last evaluated: 2025-08-29. Review status: criteria provided, single submitter. Criteria: ACMG Guidelines, 2015. Collection method: clinical testing. Allele origin: germline.
Comment: This missense variant replaces arginine with tryptophan at codon 77 of the MSH6 protein. Computational prediction suggests that this variant may not impact protein structure and function. To our knowledge, functional studies have not been reported for this variant. This variant has not been reported in individuals affected with MSH6-related disorders in the literature. This variant has been identified in 2/72504 chromosomes in the general population by the Genome Aggregation Database (gnomAD). The available evidence is insufficient to determine the role of this variant in disease conclusively. Therefore, this variant is classified as a Variant of Uncertain Significance.

Ambry Genetics
Classification: Uncertain significance for Hereditary cancer-predisposing syndrome. Last evaluated: 2025-06-30. Review status: criteria provided, single submitter. Criteria: Ambry Variant Classification Scheme 2023. Collection method: clinical testing. Allele origin: germline.
Comment: The p.R77W variant (also known as c.229C>T), located in coding exon 1 of the MSH6 gene, results from a C to T substitution at nucleotide position 229. The arginine at codon 77 is replaced by tryptophan, an amino acid with dissimilar properties. This amino acid position is well conserved in available vertebrate species. In addition, the in silico prediction for this alteration is inconclusive. Since supporting evidence is limited at this time, the clinical significance of this alteration remains unclear.

Baylor Genetics
Classification: Uncertain significance for Endometrial carcinoma. Last evaluated: 2023-11-04. Review status: criteria provided, single submitter. Criteria: ACMG Guidelines, 2015. Collection method: clinical testing. Allele origin: unknown.

All of Us Research Program, National Institutes of Health
Classification: Uncertain significance for Lynch syndrome. Last evaluated: 2023-05-15. Review status: criteria provided, single submitter. Criteria: ACMG Guidelines, 2015. Collection method: clinical testing. Allele origin: germline. Inheritance: Autosomal dominant inheritance. Observed: 3 variant alleles, 3 heterozygotes.
Comment: This missense variant replaces arginine with tryptophan at codon 77 of the MSH6 protein. Computational prediction suggests that this variant may not impact protein structure and function (internally defined REVEL score threshold <= 0.5, PMID: 27666373). To our knowledge, functional studies have not been reported for this variant. This variant has not been reported in individuals affected with MSH6-related disorders in the literature. This variant has been identified in 2/72504 chromosomes in the general population by the Genome Aggregation Database (gnomAD). The available evidence is insufficient to determine the role of this variant in disease conclusively. Therefore, this variant is classified as a Variant of Uncertain Significance.

This study involves interpretation of variants in research participants for the purpose of population health screening. Participant phenotype was not available at the time of variant classification. Additional details can be found in publication PMID: 35346344, PMCID: PMC8962531

Laboratory of Molecular Epidemiology of Birth Defects, West China Second University Hospital, Sichuan University
Classification: Benign for Ovarian cancer. Last evaluated: 2022-01-01. Review status: criteria provided, single submitter. Criteria: ACMG Guidelines, 2015. Collection method: clinical testing. Allele origin: germline. Affected: yes.

Quest Diagnostics Nichols Institute San Juan Capistrano
Classification: Uncertain significance. Last evaluated: 2017-10-06. Review status: criteria provided, single submitter. Criteria: Quest Diagnostics criteria. Collection method: clinical testing. Allele origin: germline.

NM_000179.3(MSH6):c.229C>T (p.Arg77Trp)

Gene: MSH6 (mutS homolog 6; plus strand). Cytogenetic location: 2p16.3.
Variant type: single nucleotide variant.
Coding change: c.229C>T on transcript NM_000179.3 (MANE Select); coding-DNA position 229, C replaced by T.
Protein change: p.Arg77Trp; replaces arginine 77 with tryptophan.
Molecular consequence: missense variant. On other transcripts: 5 prime UTR variant (1).
Genome position (GRCh38, 1-based): chr2:47,783,462, C>T. VCF-style: chr2-47783462-C-T. GRCh37 (hg19) VCF-style: chr2-48010601-C-T.
Other names: c.229C>T, p.Arg77Trp (NM_001281492.2); c.-508C>T (NM_001281493.2); short protein forms R77W.
Identifiers: ClinVar variation 455187 (VCV000455187.22), dbSNP rs745442468, ClinGen allele CA068784.
Genomic context (GRCh38, chr2:47,783,462, plus strand): 5'-CCCAGGCCCTTGGCGCGCTCCGCGTCACCGCCCAAGGCGAAGAACCTCAACGGAGGGCTG[C>T]GGAGATCGGTAGCGCCTGCTGCCCCCACCAGGTAGCGGGGTGGGGGTGGGGTCGAAGGCG-3'
Protein context (NP_000170.1, residues 67-87): PKAKNLNGGL[Arg77Trp]RSVAPAAPTS